The following is an entry in ClinVar:

NM_003072.5(SMARCA4):c.1050C>A (p.Ser350Arg)

Gene: SMARCA4 (SWI/SNF related BAF chromatin remodeling complex subunit ATPase 4; plus strand). Cytogenetic location: 19p13.2.
Variant type: single nucleotide variant.
Coding change: c.1050C>A on transcript NM_003072.5 (MANE Select); coding-DNA position 1050, C replaced by A.
Protein change: p.Ser350Arg; replaces serine 350 with arginine.
Molecular consequence: missense variant. On other transcripts: non-coding transcript variant (1).
Genome position (GRCh38, 1-based): chr19:10,987,856, C>A. VCF-style: chr19-10987856-C-A. GRCh37 (hg19) VCF-style: chr19-11098532-C-A.
Other names: c.1050C>A, p.Ser350Arg (NM_001128844.3, NM_001128845.2, NM_001128846.2 and 5 more transcripts); short protein forms S350R.
Identifiers: ClinVar variation 408678 (VCV000408678.24), dbSNP rs777628688, ClinGen allele CA9203664.

ClinVar aggregate classification (germline): Conflicting classifications of pathogenicity. Review status: criteria provided, conflicting classifications (1 of 4 stars). 6 submissions from 6 submitters: Uncertain significance (3); Benign (2); Likely benign (1). Last evaluated 2025-11-18.

Conditions:
Hereditary cancer-predisposing syndrome. Also called: Hereditary neoplastic syndrome; Tumor predisposition; Hereditary Cancer Syndrome; Neoplastic Syndromes, Hereditary. Identifiers: Orphanet 140162, MedGen C0027672, MeSH D009386, MONDO:0015356.
Coffin-Siris syndrome. Identifiers: Orphanet 1465, MedGen C0265338, MONDO:0015452.
Rhabdoid tumor predisposition syndrome 2 (RTPS2). Identifiers: Orphanet 231108, Orphanet 69077, MedGen C2750074, MONDO:0013224, OMIM 613325.
Intellectual disability, autosomal dominant 16 (CSS4). Also called: COFFIN-SIRIS SYNDROME 4. Identifiers: Orphanet 1465, MedGen C3553249, MONDO:0013821, OMIM 614609.

Allele frequency attached by ClinVar (database versions not stated): gnomAD 0.00001; gnomAD exomes 0.00005 and 0.00001; ExAC 0.00009; TOPMed 0.00004.
gnomAD v4.1: 10 of 1,612,228 alleles (0.00062%); highest among the groups gnomAD compares: Admixed American, 0.015%; no homozygotes.

Submissions (6):

Labcorp Genetics (formerly Invitae), Labcorp
Classification: Uncertain significance for Rhabdoid tumor predisposition syndrome 2. Last evaluated: 2025-11-18. Review status: criteria provided, single submitter. Criteria: Invitae Variant Classification Sherloc (09022015). Collection method: clinical testing. Allele origin: germline.
Comment: This sequence change replaces serine, which is neutral and polar, with arginine, which is basic and polar, at codon 350 of the SMARCA4 protein (p.Ser350Arg). This variant is present in population databases (rs777628688, gnomAD 0.02%). This variant has not been reported in the literature in individuals affected with SMARCA4-related conditions. ClinVar contains an entry for this variant (Variation ID: 408678). Invitae Evidence Modeling of protein sequence and biophysical properties (such as structural, functional, and spatial information, amino acid conservation, physicochemical variation, residue mobility, and thermodynamic stability) has been performed for this missense variant. However, the output from this modeling did not meet the statistical confidence thresholds required to predict the impact of this variant on SMARCA4 protein function. In summary, the available evidence is currently insufficient to determine the role of this variant in disease. Therefore, it has been classified as a Variant of Uncertain Significance.

GeneDx
Classification: Uncertain significance. Last evaluated: 2024-07-22. Review status: criteria provided, single submitter. Criteria: GeneDx Variant Classification Process June 2021. Collection method: clinical testing. Allele origin: germline.
Comment: In silico analysis indicates that this missense variant does not alter protein structure/function; Has not been previously published as pathogenic or benign to our knowledge

Baylor Genetics
Classification: Uncertain significance for Rhabdoid tumor predisposition syndrome 2. Last evaluated: 2024-03-04. Review status: criteria provided, single submitter. Criteria: ACMG Guidelines, 2015. Collection method: clinical testing. Allele origin: unknown.

Ambry Genetics
Classification: Benign for Hereditary cancer-predisposing syndrome. Last evaluated: 2023-12-26. Review status: criteria provided, single submitter. Criteria: Ambry Variant Classification Scheme 2023. Collection method: clinical testing. Allele origin: germline.

Genome-Nilou Lab
Classification: Likely benign for Intellectual disability, autosomal dominant 16. Last evaluated: 2021-07-15. Review status: criteria provided, single submitter. Criteria: ACMG Guidelines, 2015. Collection method: clinical testing. Allele origin: germline. Affected: no.

Illumina Laboratory Services, Illumina
Classification: Benign for Coffin-Siris syndrome. Last evaluated: 2018-01-13. Review status: criteria provided, single submitter. Criteria: ICSL Variant Classification Criteria 13 December 2019. Collection method: clinical testing. Allele origin: germline.
Comment: This variant was observed in the ICSL laboratory as part of a predisposition screen in an ostensibly healthy population. It had not been previously curated by ICSL or reported in the Human Gene Mutation Database (HGMD: prior to June 1st, 2018), and was therefore a candidate for classification through an automated scoring system. Utilizing variant allele frequency, disease prevalence and penetrance estimates, and inheritance mode, an automated score was calculated to assess if this variant is too frequent to cause the disease. Based on the score and internal cut-off values, a variant classified as benign is not then subjected to further curation. The score for this variant resulted in a classification of benign for this disease.